The following is an entry in ClinVar:

ClinVar aggregate classification (germline): Pathogenic. Review status: criteria provided, multiple submitters, no conflicts (2 of 4 stars). 5 submissions from 5 submitters: Pathogenic (5). Last evaluated 2026-01-27.

Conditions:
Polyglandular autoimmune syndrome, type 1 (APS1). Also called: Autoimmune polyendocrinopathy syndrome, type I; PGA I; Autoimmune polyendocrinopathy syndrome , type I, with or without reversible metaphyseal dysplasia; AUTOIMMUNE POLYENDOCRINE SYNDROME, TYPE I, WITH OR WITHOUT REVERSIBLE METAPHYSEAL DYSPLASIA; APS I; HYPOADRENOCORTICISM WITH HYPOPARATHYROIDISM AND SUPERFICIAL MONILIASIS. Identifiers: Orphanet 3453, MedGen C0085859, MONDO:0009411, OMIM 240300.

Submissions (5):

Women's Health and Genetics/Laboratory Corporation of America, LabCorp
Classification: Pathogenic for Polyglandular autoimmune syndrome, type 1. Last evaluated: 2026-01-27. Review status: criteria provided, single submitter. Criteria: LabCorp Variant Classification Summary - May 2015. Collection method: clinical testing. Allele origin: germline.
Comment: Variant summary: AIRE c.132+1_132+3delinsCT, also known as IVS1+1G>C;IVS1+5delG, is located in a canonical splice-site and is predicted to affect mRNA splicing resulting in a significantly altered protein due to either exon skipping, shortening, or inclusion of intronic material. Variants that disrupt the consensus splice site are a relatively common cause of aberrant splicing and loss of AIRE function. Several computational tools predict a significant impact on normal splicing: Four predict the variant abolishes a 5' splicing donor site. However, these predictions have yet to be confirmed by functional studies. The variant allele was found at a frequency of 7.1e-06 in 140792 control chromosomes. c.132+1_132+3delinsCT has been observed in multiple compound heterozygous or homozygous individuals affected with Polyglandular autoimmune syndrome, type 1 (e.g. Stolarski_2006, Gutierrez_2017, Ochoa_2024, Mazza_2011). It was also reported as heterozygous in one affected individual, but the presence of a second variant in trans could not be ruled out (Barg_2014). These data indicate that the variant is very likely to be associated with disease. To our knowledge, no experimental evidence demonstrating an impact on protein function has been reported. The following publications have been ascertained in the context of this evaluation (PMID: 25554620, 28458664, 21295522, 39292801, 16965330). ClinVar contains an entry for this variant (Variation ID: 279973). Based on the evidence outlined above, the variant was classified as pathogenic for recessive Polyglandular autoimmune syndrome.

GeneDx
Classification: Pathogenic. Last evaluated: 2025-07-30. Review status: criteria provided, single submitter. Criteria: GeneDx Variant Classification Process June 2021. Collection method: clinical testing. Allele origin: germline. Affected: yes.
Comment: Canonical splice site variant predicted to result in an in-frame loss of the adjacent exon in a gene for which loss of function is a known mechanism of disease; Not observed at significant frequency in large population cohorts (gnomAD); This variant is associated with the following publications: (PMID: 16965330, 25554620, 28458664, 18248641)

Natera, Inc.
Classification: Pathogenic for Polyglandular autoimmune syndrome type 1. Last evaluated: 2024-03-10. Review status: criteria provided, single submitter. Criteria: Natera Variant Classification Schema (03/2026). Collection method: clinical testing. Allele origin: germline.
Comment: The c.132+1_132+3delGTGinsCT variant in AIRE is a canonical splice donor site variant predicted to affect pre-mRNA splicing, which may result in an abnormal transcript and altered protein product. This variant is expected to result in nonsense mediated decay, truncation, or a dysfunctional protein product. This variant is rare in the general population with a frequency below the threshold expected for the associated phenotype(s). This variant has been observed in one or more individuals affected with the associated recessive disease, as either homozygous or compound heterozygous with a second variant (PMID: 16965330). Given the available evidence, this variant is classified as Pathogenic.

Labcorp Genetics (formerly Invitae), Labcorp
Classification: Pathogenic for Polyglandular autoimmune syndrome, type 1. Last evaluated: 2023-09-04. Review status: criteria provided, single submitter. Criteria: Invitae Variant Classification Sherloc (09022015). Collection method: clinical testing. Allele origin: germline.
Comment: This sequence change affects a donor splice site in intron 1 of the AIRE gene. It is expected to disrupt RNA splicing. Variants that disrupt the donor or acceptor splice site typically lead to a loss of protein function (PMID: 16199547), and loss-of-function variants in AIRE are known to be pathogenic (PMID: 11524731, 26141571). This variant is present in population databases (no rsID available, gnomAD 0.002%). Disruption of this splice site has been observed in individuals with autoimmune polyendocrinopathy–candidiasis–ectodermal dystrophy (APECED) (PMID: 16965330, 18248641, 25554620, 28458664). This variant is also known as 132+1_132+3delGTGinsCT and IVS1 + 1G > C; IVS1 + 5delG. Algorithms developed to predict the effect of sequence changes on RNA splicing suggest that this variant may disrupt the consensus splice site. For these reasons, this variant has been classified as Pathogenic.

Laboratory for Molecular Medicine, Mass General Brigham Personalized Medicine
Classification: Pathogenic for Polyglandular autoimmune syndrome, type 1. Last evaluated: 2019-07-03. Review status: criteria provided, single submitter. Criteria: LMM Criteria. Collection method: clinical testing. Allele origin: germline. Inheritance: Autosomal recessive inheritance. Observed: 1 variant allele.
Comment: The c.132+1_132+3delinsCT variant in AIRE has been reported in the homozygous or compound heterozygous state in at least 3 individuals with features of autoimmune polyendocrinopathy-candidiasis-ectodermal dystrophy (APECED; Stolarski 2006, Capalbo 2008, Gutierrez 2017). It has also been identified in 0.002% (1/50686) of European chromosomes in gnomAD and has been reported as Pathogenic in ClinVar (Variation ID 279973). This variant is a deletion of 3 nucleotides and insertion of 2 nucleotides at position c.132+1. This occurs within the canonical splice site (+/- 1,2) and is predicted to cause altered splicing leading to an abnormal or absent protein. Loss of function of the AIRE gene is an established disease mechanism in autosomal recessive APECED. In summary, this variant meets criteria to be classified as pathogenic for autosomal recessive APECED. ACMG/AMP criteria applied: PVS1, PM3_Strong, PM2.

Literature cited by the submitters: PubMed 21295522 (cited by Women's Health and Genetics/Laboratory Corporation of America, LabCorp); PubMed 25554620 (cited by 3 submitters); PubMed 28458664 (cited by 3 submitters); PubMed 39292801 (cited by Women's Health and Genetics/Laboratory Corporation of America, LabCorp); PubMed 16965330 (cited by 4 submitters); PubMed 16199547 (cited by Labcorp Genetics (formerly Invitae), Labcorp); PubMed 11524731 (cited by Labcorp Genetics (formerly Invitae), Labcorp); PubMed 26141571 (cited by Labcorp Genetics (formerly Invitae), Labcorp); PubMed 18248641 (cited by Labcorp Genetics (formerly Invitae), Labcorp and Laboratory for Molecular Medicine, Mass General Brigham Personalized Medicine).

NM_000383.4(AIRE):c.132+1_132+3delinsCT

Gene: AIRE (autoimmune regulator; plus strand). Cytogenetic location: 21q22.3.
Variant type: Indel.
Coding change: c.132+1_132+3delinsCT on transcript NM_000383.4 (MANE Select); the canonical splice donor site of the intron after coding-DNA position 132 through 3 bases into the intron after coding-DNA position 132, GTG replaced by CT.
Molecular consequence: splice donor variant.
Genome position (GRCh38, 1-based): chr21:44,286,139-44,286,141, GTG replaced by CT. VCF-style: chr21-44286139-GTG-CT. GRCh37 (hg19) VCF-style: chr21-45706022-GTG-CT.
Other names: c.132+1_132+3delGTGinsCT (LRG_18t1, NM_000383.3).
Identifiers: ClinVar variation 279973 (VCV000279973.16), dbSNP rs886041293, ClinGen allele CA10603552.
Genomic context (GRCh38, chr21:44,286,139, plus strand): 5'-GCCTTCCCACTGCTGCACGCGCTGGCTGACCACGACGTGGTCCCCGAGGACAAGTTTCAG[GTG>CT]GGCTCCCCGCCCGCCCCCCGCTGCCCCCAGGCCCTGTGAGCCAGGGATAGTCCCCGGGGA-3'